The following continues an entry in ClinVar:

NM_000094.4(COL7A1):c.425A>G (p.Lys142Arg)

Gene: COL7A1. ClinVar aggregate classification (germline): Pathogenic. Pathogenic (15).

Submissions 8 to 21 of 21:

GeneDx
Classification: Pathogenic. Last evaluated: 2022-02-23. Review status: criteria provided, single submitter. Criteria: GeneDx Variant Classification Process June 2021. Collection method: clinical testing. Allele origin: germline. Affected: yes.
Comment: Non-canonical splice site variant predicted to damage or destroy the natural splice donor site for intron 3 and demonstrated to result in loss-of-function through cDNA analysis of cultured skin fibroblasts from a patient with c.425 A>G (Gardella et al., 1996); This variant is associated with the following publications: (PMID: 15888141, 12485454, 11781296, 8755915, 12787275, 22266148, 29080321, 26990548, 21448560, 34008892, 31589614, 16971478, 34426522, 33274474)

Centre for Mendelian Genomics, University Medical Centre Ljubljana
Classification: Pathogenic for Epidermolysis bullosa pruriginosa. Last evaluated: 2019-02-26. Review status: criteria provided, single submitter. Criteria: ACMG Guidelines, 2015. Collection method: clinical testing. Allele origin: unknown. Affected: yes.
Comment: This variant was classified as: Pathogenic. The following ACMG criteria were applied in classifying this variant: PS1,PS3,PM2,PM3,PP3,PP4. This variant was detected in homozygous state.

Laboratory of Medical Genetics, National & Kapodistrian University of Athens
Classification: Pathogenic for Recessive dystrophic epidermolysis bullosa. Last evaluated: 2018-11-09. Review status: criteria provided, single submitter. Criteria: ACMG Guidelines, 2015. Collection method: clinical testing. Allele origin: germline. Affected: yes.
Comment: PM1, PM2, PP2, PP3, PP5

Laboratory for Molecular Medicine, Mass General Brigham Personalized Medicine
Classification: Pathogenic for Epidermolysis bullosa dystrophica. Last evaluated: 2018-01-26. Review status: criteria provided, single submitter. Criteria: LMM Criteria. Collection method: clinical testing. Allele origin: germline. Inheritance: Autosomal recessive inheritance. Observed: 1 variant allele.
Comment: The p.Lys142Arg variant in COL7A1 has been reported in the homozygous or compoun d heterozygous state in >15 individuals with dystrophic epidermolysis bullosa ( DEB) (Gardella 1996, Gardella 2002, Csikos 2005). This variant has also been ide ntified in 0.01% (12/126664) of European chromosomes by the Genome Aggregation D atabase (gnomAD; dbSNP rs121912856). Although this variant has been seen in the general population, its frequency is low enoug h to be consistent with a recessive carrier frequency. This variant is located w ithin the last three bases of exon 3, which is part of the 5' splice region. Com putational tools do suggest an impact to splicing, and functional studies have s hown that this variant impacts splicing of exon 3, leading to a truncated or abs ent protein (Gardella 1996). Loss of function of the COL7A1 gene is an establish ed disease mechanism in autosomal recessive DEB. In summary, this variant meets criteria to be classified as pathogenic for DEB in an autosomal recessive manner . ACMG/AMP Criteria applied: PM3_Very Strong; PS3; PP3; PP4.

Illumina Laboratory Services, Illumina
Classification: Pathogenic for Dystrophic epidermolysis bullosa. Last evaluated: 2017-10-11. Review status: criteria provided, single submitter. Criteria: ICSL Variant Classification Criteria 09 May 2019. Collection method: clinical testing. Allele origin: germline.
Comment: Across a selection of the available literature, the COL7A1 c.425A>G (p.Lys142Arg) missense variant has been identified in 42 individuals with dystrophic epidermolysis bullosa, including in a homozygous state in nine probands, in a compound heterozygous state in 30 probands, and in a heterozygous state in 3 probands with second alleles not identified (Gardella et al. 1996; Csikos et al. 2005; Jerabkova et al. 2010; Wertheim-Tysarowska et al. 2012). The p.Lys142Arg variant was found in a heterozygous state in one of 100 control alleles (Csikos et al. 2005) and is reported at a frequency of 0.000095 in the European (non-Finnish) population of the Genome Aggregation Database. RT-PCR found the p.Lys142Arg variant to have aberrant transcripts that indicate exon skipping (Gardella et al. 1996). Based on the evidence, the p.Lys142Arg variant is classified as pathogenic for dystrophic epidermolysis bullosa. This variant was observed by ICSL as part of a predisposition screen in an ostensibly healthy population.

Centre for Mendelian Genomics, University Medical Centre Ljubljana
Classification: Pathogenic for Abnormality of the skin; Nail dystrophy; Skin erosion. Last evaluated: 2017-01-01. Review status: criteria provided, single submitter. Criteria: ACMG Guidelines, 2015. Collection method: clinical testing. Allele origin: unknown. Affected: yes.

Centre for Mendelian Genomics, University Medical Centre Ljubljana
Classification: Pathogenic for Anonychia. Last evaluated: 2017-01-01. Review status: criteria provided, single submitter. Criteria: ACMG Guidelines, 2015. Collection method: clinical testing. Allele origin: unknown. Affected: yes.

Molecular Diagnostics Laboratory, M Health Fairview: University of Minnesota
Classification: Pathogenic for Recessive dystrophic epidermolysis bullosa. Last evaluated: 2016-06-01. Review status: criteria provided, single submitter. Criteria: ACMG Guidelines, 2015. Collection method: clinical testing. Allele origin: germline. Affected: yes. Observed: 1 variant allele.

PreventionGenetics, part of Exact Sciences
Classification: Pathogenic for COL7A1-related condition. Last evaluated: 2024-05-25. Review status: no assertion criteria provided. Collection method: clinical testing. Allele origin: germline. Not counted in ClinVar's aggregate classification.
Comment: The COL7A1 c.425A>G variant is predicted to result in the amino acid substitution p.Lys142Arg. This variant has been frequently reported in the homozygous or compound heterozygous state in individuals with epidermolysis bullosa dystrophica (see for example Rossi et al. 2021. PubMed ID: 33274474; Zimmer et al. 2002. PubMed ID: 11781296; Table SII in Almaani et al. 2011. PubMed ID: 21448560; Kahofer et al. 2003. PubMed ID: 12787275; Drera et al. 2006. PubMed ID: 16965329; Gardella et al. 2002. PubMed ID: 12485454; Varki et al. 2007. PubMed ID: 16971478); and, it has been shown to disrupt the canonical splice donor site (Gardella et al. 1999. PubMed ID: 10408773). This variant is reported in 0.0070% of alleles in individuals of European (Non-Finnish) descent in gnomAD. This variant is interpreted as pathogenic.

OMIM
Classification: Pathogenic for EPIDERMOLYSIS BULLOSA DYSTROPHICA, AUTOSOMAL RECESSIVE, LOCALISATA VARIANT. Last evaluated: 2006-10-01. Review status: no assertion criteria provided. Collection method: literature only. Allele origin: germline. Not counted in ClinVar's aggregate classification.

OMIM
Classification: Pathogenic for EPIDERMOLYSIS BULLOSA PRURIGINOSA, AUTOSOMAL RECESSIVE. Last evaluated: 2006-10-01. Review status: no assertion criteria provided. Collection method: literature only. Allele origin: germline. Not counted in ClinVar's aggregate classification.

OMIM
Classification: Pathogenic for EPIDERMOLYSIS BULLOSA DYSTROPHICA INVERSA, AUTOSOMAL RECESSIVE. Last evaluated: 2003-05-01. Review status: no assertion criteria provided. Collection method: literature only. Allele origin: germline. Not counted in ClinVar's aggregate classification.

Diagnostic Laboratory, Department of Genetics, University Medical Center Groningen
Classification: Pathogenic. Review status: no assertion criteria provided. Collection method: clinical testing. Allele origin: germline. Affected: yes. Study: VKGL Data-share Consensus. Not counted in ClinVar's aggregate classification.

Joint Genome Diagnostic Labs from Nijmegen and Maastricht, Radboudumc and MUMC+
Classification: Pathogenic. Review status: no assertion criteria provided. Collection method: clinical testing. Allele origin: germline. Affected: yes. Study: VKGL Data-share Consensus. Not counted in ClinVar's aggregate classification.

Literature cited by the submitters: PubMed 11781296 (cited by Labcorp Genetics (formerly Invitae), Labcorp); PubMed 12787275 (cited by 3 submitters); PubMed 15888141 (cited by 5 submitters); PubMed 16971478 (cited by Labcorp Genetics (formerly Invitae), Labcorp); PubMed 19681861 (cited by Labcorp Genetics (formerly Invitae), Labcorp and Center for Research in Genodermatoses and Epidermolysis Bullosa, University of Buenos Aires); PubMed 22266148 (cited by 3 submitters); PubMed 8755915 (cited by 6 submitters); PubMed 10408773 (cited by 3 submitters); PubMed 33274474 (cited by Natera, Inc.); PubMed 34230977 (cited by Natera, Inc.); PubMed 20598510 (cited by Women's Health and Genetics/Laboratory Corporation of America, LabCorp and Illumina Laboratory Services, Illumina); PubMed 35979658 (cited by Center for Research in Genodermatoses and Epidermolysis Bullosa, University of Buenos Aires); PubMed 12485454 (cited by Laboratory for Molecular Medicine, Mass General Brigham Personalized Medicine and Molecular Diagnostics Laboratory, M Health Fairview: University of Minnesota); PubMed 16965329 (cited by OMIM).